The following is an entry in ClinVar:

NM_152328.5(ADSS1):c.193-4911G>C

Gene: ADSS1 (adenylosuccinate synthase 1; plus strand). Cytogenetic location: 14q32.33.
Variant type: single nucleotide variant.
Coding change: c.193-4911G>C on transcript NM_152328.5 (MANE Select); 4911 bases into the intron before coding-DNA position 193, G replaced by C.
Molecular consequence: intron variant. On other transcripts: 5 prime UTR variant (1), missense variant (1).
Genome position (GRCh38, 1-based): chr14:104,730,109, G>C. VCF-style: chr14-104730109-G-C. GRCh37 (hg19) VCF-style: chr14-105196446-G-C.
Other names: c.-511G>C (NM_001320424.1); c.217G>C, p.Gly73Arg (NM_199165.2); short protein forms G73R.
Identifiers: ClinVar variation 1681889 (VCV001681889.4), dbSNP rs1014444587, ClinGen allele CA267335131.

ClinVar aggregate classification (germline): Uncertain significance (1 of 4 stars; one submission).

Allele frequency attached by ClinVar (database versions not stated): gnomAD 0.00001; TOPMed 0.00001; gnomAD exomes 0.00002.
gnomAD v4.1: 11 of 1,549,664 alleles (0.00071%); highest among the groups gnomAD compares: Non-Finnish European, 0.00096%; no homozygotes.

Submission:

Labcorp Genetics (formerly Invitae), Labcorp
Classification: Uncertain significance. Last evaluated: 2022-11-22. Review status: criteria provided, single submitter. Criteria: Invitae Variant Classification Sherloc (09022015). Collection method: clinical testing. Allele origin: germline.
Comment: This sequence change replaces glycine with arginine at codon 73 of the ADSSL1 protein (p.Gly73Arg). There is a moderate physicochemical difference between glycine and arginine. In summary, the available evidence is currently insufficient to determine the role of this variant in disease. Therefore, it has been classified as a Variant of Uncertain Significance. Algorithms developed to predict the effect of missense changes on protein structure and function are either unavailable or do not agree on the potential impact of this missense change (SIFT: "Not Available"; PolyPhen-2: "Probably Damaging"; Align-GVGD: "Not Available"). ClinVar contains an entry for this variant (Variation ID: 1681889). This variant has not been reported in the literature in individuals affected with ADSSL1-related conditions. This variant is present in population databases (no rsID available, gnomAD 0.005%).